The following is an entry in ClinVar:

ClinVar aggregate classification (germline): Benign (1 of 4 stars; one submission).

Allele frequency attached by ClinVar (database versions not stated): gnomAD 0.13023 and 0.13116; 1000 Genomes Project 0.18450.
gnomAD v4.1: 8,965 of 68,682 alleles (13%); highest among the groups gnomAD compares: Middle Eastern, 21%; 643 homozygotes.

Submission:

GeneDx
Classification: Benign. Last evaluated: 2018-06-18. Review status: criteria provided, single submitter. Criteria: GeneDx Variant Classification (06012015). Collection method: clinical testing. Allele origin: germline. Affected: yes.
Comment: This variant is considered likely benign or benign based on one or more of the following criteria: it is a conservative change, it occurs at a poorly conserved position in the protein, it is predicted to be benign by multiple in silico algorithms, and/or has population frequency not consistent with disease.

NM_020822.3(KCNT1):c.1510+265A>G

Gene: KCNT1 (potassium sodium-activated channel subfamily T member 1; plus strand). Cytogenetic location: 9q34.3.
Variant type: single nucleotide variant.
Coding change: c.1510+265A>G on transcript NM_020822.3 (MANE Select); 265 bases into the intron after coding-DNA position 1510, A replaced by G.
Molecular consequence: intron variant.
Genome position (GRCh38, 1-based): chr9:135,769,202, A>G. VCF-style: chr9-135769202-A-G. GRCh37 (hg19) VCF-style: chr9-138661048-A-G.
Other names: c.1375+265A>G (NM_001272003.2).
Identifiers: ClinVar variation 683570 (VCV000683570.1), dbSNP rs56142950, ClinGen allele CA13003894.